The following is an entry in ClinVar:

NM_001374736.1(DST):c.13565C>A (p.Ser4522Tyr)

Gene: DST (dystonin; minus strand). Cytogenetic location: 6p12.1.
Variant type: single nucleotide variant.
Coding change: c.13565C>A on transcript NM_001374736.1 (MANE Select); coding-DNA position 13565, C replaced by A.
Protein change: p.Ser4522Tyr; replaces serine 4522 with tyrosine.
Molecular consequence: missense variant.
Genome position (GRCh38, 1-based): chr6:56,572,256, G>T on the plus strand (C>A on the coding strand, the complement: DST is on the minus strand). VCF-style: chr6-56572256-G-T. GRCh37 (hg19) VCF-style: chr6-56437054-G-T.
Other names: c.7208C>A, p.Ser2403Tyr (NM_001144769.5); c.6794C>A, p.Ser2265Tyr (NM_001144770.2); c.13565C>A, p.Ser4522Tyr (NM_001374722.1); c.12932C>A, p.Ser4311Tyr (NM_001374729.1); c.6674C>A, p.Ser2225Tyr (NM_001374730.1, NM_183380.4); c.13592C>A, p.Ser4531Tyr (NM_001374734.1); c.5696C>A, p.Ser1899Tyr (NM_015548.5); short protein forms S2265Y, S1899Y, S4522Y, S4531Y, S2225Y, S2403Y, S4311Y.
Identifiers: ClinVar variation 966944 (VCV000966944.10), dbSNP rs751015571, ClinGen allele CA3868193.

ClinVar aggregate classification (germline): Uncertain significance. Review status: criteria provided, multiple submitters, no conflicts (2 of 4 stars). 2 submissions from 2 submitters: Uncertain significance (2). Last evaluated 2022-06-27.

Conditions:
Hereditary sensory and autonomic neuropathy type 6. Also called: Neuropathy, hereditary sensory and autonomic, type VI; HSAN VI. Identifiers: Orphanet 314381, MedGen C3539003, MONDO:0013839, OMIM 614653.
Epidermolysis bullosa simplex 3, localized or generalized intermediate, with BP230 deficiency (EBS3). Also called: Epidermolysis bullosa simplex, autosomal recessive 2; Epidermolysis bullosa simplex due to BP230 deficiency. Identifiers: Orphanet 412181, MedGen C3809470, MONDO:0014180, OMIM 615425.
Inborn genetic diseases. Identifiers: MedGen C0950123, MeSH D030342.

Allele frequency attached by ClinVar (database versions not stated): TOPMed below 0.00001; gnomAD exomes 0.00001; ExAC 0.00002.
gnomAD v4.1: 11 of 1,558,842 alleles (0.00071%); highest among the groups gnomAD compares: Non-Finnish European, 0.00096%; no homozygotes.

Submissions (2):

Ambry Genetics
Classification: Uncertain significance for Inborn genetic diseases. Last evaluated: 2022-06-27. Review status: criteria provided, single submitter. Criteria: Ambry Variant Classification Scheme 2023. Collection method: clinical testing. Allele origin: germline.
Comment: The p.S2403Y variant (also known as c.7208C>A), located in coding exon 47 of the DST gene, results from a C to A substitution at nucleotide position 7208. The serine at codon 2403 is replaced by tyrosine, an amino acid with dissimilar properties. This amino acid position is not well conserved in available vertebrate species. In addition, this alteration is predicted to be tolerated by in silico analysis. Since supporting evidence is limited at this time, the clinical significance of this alteration remains unclear.

Labcorp Genetics (formerly Invitae), Labcorp
Classification: Uncertain significance for Epidermolysis bullosa simplex 3, localized or generalized intermediate, with BP230 deficiency; Hereditary sensory and autonomic neuropathy type 6. Last evaluated: 2019-08-25. Review status: criteria provided, single submitter. Criteria: Invitae Variant Classification Sherloc (09022015). Collection method: clinical testing. Allele origin: germline.
Comment: This sequence change replaces serine with tyrosine at codon 1899 of the DST protein (p.Ser1899Tyr). The serine residue is weakly conserved and there is a large physicochemical difference between serine and tyrosine. The DST gene has multiple clinically relevant transcripts. The p.Ser1899Tyr variant occurs in alternate transcript NM_015548.4, which corresponds to c.*43261C>A in NM_001723.5, the primary transcript listed in the Methods. In summary, the available evidence is currently insufficient to determine the role of this variant in disease. Therefore, it has been classified as a Variant of Uncertain Significance. Algorithms developed to predict the effect of missense changes on protein structure and function are either unavailable or do not agree on the potential impact of this missense change (SIFT: "Tolerated"; PolyPhen-2: "Not Available"; Align-GVGD: "Class C0"). This variant has not been reported in the literature in individuals with DST-related conditions. This variant is present in population databases (rs751015571, ExAC 0.005%).